The following is an entry in ClinVar:

NM_003625.5(PPFIA2):c.1267-8del

Gene: PPFIA2 (PPFI scaffold protein A2; minus strand). Cytogenetic location: 12q21.31.
Variant type: Deletion.
Coding change: c.1267-8del on transcript NM_003625.5 (MANE Select); 8 bases into the intron before coding-DNA position 1267, one base deleted (C; older notation c.1267-8delC).
Molecular consequence: intron variant.
Genome position (GRCh38, 1-based): chr12:81,369,202, G deleted on the plus strand (C on the coding strand, the reverse complement: PPFIA2 is on the minus strand). VCF-style (leftmost placement, unchanged base first): chr12-81369201-AG-A. GRCh37 (hg19) VCF-style: chr12-81762980-AG-A.
Other names: c.1213-8del (NM_001220474.3); c.1267-8del (NM_001220473.3, NM_001220475.2, NM_001220476.2); c.970-8del (NM_001220478.2); c.1045-8del (NM_001220477.2); c.808-8del (NM_001282536.1); c.-33-8del (NM_001220479.3); c.-1016-8del (NM_001220480.3).
Identifiers: ClinVar variation 2643200 (VCV002643200.24), dbSNP rs770484638, ClinGen allele CA6705094.

ClinVar aggregate classification (germline): Benign (1 of 4 stars; one submission).

Allele frequency attached by ClinVar (database versions not stated): 1000 Genomes Project 30x 0.00031; ESP Exome Variant Server 0.00195; TOPMed 0.00201; gnomAD 0.00244; gnomAD exomes 0.00277; ExAC 0.00431.

Submission:

CeGaT Center for Human Genetics Tuebingen
Classification: Benign. Last evaluated: 2022-08-01. Review status: criteria provided, single submitter. Criteria: CeGaT Center For Human Genetics Tuebingen Variant Classification Criteria Version 2. Collection method: clinical testing. Allele origin: germline. Affected: yes. Observed: 2 variant alleles.
Comment: PPFIA2: BS1, BS2